The following is an entry in ClinVar:

NM_032608.7(MYO18B):c.5599G>A (p.Glu1867Lys)

Gene: MYO18B (myosin XVIIIB; plus strand). Cytogenetic location: 22q12.1.
Variant type: single nucleotide variant.
Coding change: c.5599G>A on transcript NM_032608.7 (MANE Select); coding-DNA position 5599, G replaced by A.
Protein change: p.Glu1867Lys; replaces glutamic acid 1867 with lysine.
Molecular consequence: missense variant.
Genome position (GRCh38, 1-based): chr22:25,946,218, G>A. VCF-style: chr22-25946218-G-A. GRCh37 (hg19) VCF-style: chr22-26342184-G-A.
Other names: c.5602G>A, p.Glu1868Lys (NM_001318245.2); short protein forms E1868K, E1867K.
Identifiers: ClinVar variation 3646280 (VCV003646280.1).
Genomic context (GRCh38, chr22:25,946,218, plus strand): 5'-TGTGAGGAGGCCTTGAAGACGCAGAAGGTGCTCACAGCGGACCTGGAGAGCATGCACAGC[G>A]AGCTGGAGAACATGACGCGGAACAAGAGCCTGGTACCTGTCCCTTCCTGCAGCTGCAGGG-3'
Protein context (NP_115997.5, residues 1857-1877): LTADLESMHS[Glu1867Lys]LENMTRNKSL

ClinVar aggregate classification (germline): Uncertain significance (1 of 4 stars; one submission).

gnomAD v4.1: 10 of 1,581,646 alleles (0.00063%); highest among the groups gnomAD compares: South Asian, 0.0035%; no homozygotes.

Submission:

Labcorp Genetics (formerly Invitae), Labcorp
Classification: Uncertain significance. Last evaluated: 2024-11-19. Review status: criteria provided, single submitter. Criteria: Invitae Variant Classification Sherloc (09022015). Collection method: clinical testing. Allele origin: germline.
Comment: This sequence change replaces glutamic acid, which is acidic and polar, with lysine, which is basic and polar, at codon 1867 of the MYO18B protein (p.Glu1867Lys). The frequency data for this variant in the population databases is considered unreliable, as metrics indicate poor data quality at this position in the gnomAD database. This variant has not been reported in the literature in individuals affected with MYO18B-related conditions. An algorithm developed to predict the effect of missense changes on protein structure and function (PolyPhen-2) suggests that this variant is likely to be disruptive. In summary, the available evidence is currently insufficient to determine the role of this variant in disease. Therefore, it has been classified as a Variant of Uncertain Significance.